The following is an entry in ClinVar:

NM_000138.5(FBN1):c.4075A>G (p.Ile1359Val)

Gene: FBN1 (fibrillin 1; minus strand). Cytogenetic location: 15q21.1.
Variant type: single nucleotide variant.
Coding change: c.4075A>G on transcript NM_000138.5 (MANE Select); coding-DNA position 4075, A replaced by G.
Protein change: p.Ile1359Val; replaces isoleucine 1359 with valine.
Molecular consequence: missense variant.
Genome position (GRCh38, 1-based): chr15:48,474,540, T>C on the plus strand (A>G on the coding strand, the complement: FBN1 is on the minus strand). VCF-style: chr15-48474540-T-C. GRCh37 (hg19) VCF-style: chr15-48766737-T-C.
Other names: short protein forms I1359V.
Identifiers: ClinVar variation 519762 (VCV000519762.18), dbSNP rs202192505, ClinGen allele CA051965.

ClinVar aggregate classification (germline): Conflicting classifications of pathogenicity. Review status: criteria provided, conflicting classifications (1 of 4 stars). 5 submissions from 5 submitters: Uncertain significance (3); Likely benign (2). Last evaluated 2025-09-22.

Conditions:
MASS syndrome (OCTD). Also called: OVERLAP CONNECTIVE TISSUE DISEASE; MASS PHENOTYPE. Identifiers: MedGen C1858556, MONDO:0011431, OMIM 604308.
Progeroid and marfanoid aspect-lipodystrophy syndrome. Also called: MARFANOID-PROGEROID SYNDROME; MARFAN-PROGEROID-LIPODYSTROPHY SYNDROME; Marfan lipodystrophy syndrome; MARFANOID-PROGEROID-LIPODYSTROPHY SYNDROME. Identifiers: Orphanet 300382, MedGen C4310796, MONDO:0014831, OMIM 616914.
Ectopia lentis 1, isolated, autosomal dominant (ECTOL1). Identifiers: Orphanet 1885, MedGen C3541518, MONDO:0007514, OMIM 129600.
Weill-Marchesani syndrome 2, dominant. Also called: Weill-Marchesani Syndrome, Autosomal Dominant; FBN1-Related Weill-Marchesani Syndrome. Identifiers: Orphanet 2084, MedGen C1869115, MONDO:0012013, OMIM 608328.
Acromicric dysplasia (ACMICD). Also called: Acromicric skeletal dysplasia. Identifiers: Orphanet 969, MedGen C0265287, MONDO:0007055, OMIM 102370.
Geleophysic dysplasia 2 (GPHYSD2). Identifiers: Orphanet 2623, MedGen C3280054, MONDO:0013612, OMIM 614185.
Stiff skin syndrome (SSKS). Identifiers: Orphanet 2833, MedGen C1861456, MONDO:0008492, OMIM 184900.
Marfan syndrome (MFS). Also called: Marfan syndrome type 1; Marfan syndrome, classic; Marfan's syndrome; FBN1-Related Marfan Syndrome; MARFAN SYNDROME, TYPE I. Identifiers: Orphanet 284963, Orphanet 558, MedGen C0024796, MONDO:0007947, OMIM 154700.
Familial thoracic aortic aneurysm and aortic dissection (TAAD). Also called: Thoracic aortic aneurysms and dissections. Identifiers: Orphanet 91387, MedGen C4707243, MONDO:0019625.

Allele frequency attached by ClinVar (database versions not stated): TOPMed below 0.00001; ExAC 0.00001; gnomAD 0.00001; ESP Exome Variant Server 0.00008; 1000 Genomes Project 0.00020; gnomAD exomes 0.00001; 1000 Genomes Project 30x 0.00016.
gnomAD v4.1: 12 of 1,614,228 alleles (0.00074%); highest among the groups gnomAD compares: Non-Finnish European, 0.001%; no homozygotes.

Submissions (5):

Ambry Genetics
Classification: Likely benign for Familial thoracic aortic aneurysm and aortic dissection. Last evaluated: 2025-09-22. Review status: criteria provided, single submitter. Criteria: Ambry Variant Classification Scheme 2023. Collection method: clinical testing. Allele origin: germline.

Color Diagnostics, LLC DBA Color Health
Classification: Uncertain significance for Familial thoracic aortic aneurysm and aortic dissection. Last evaluated: 2023-12-19. Review status: criteria provided, single submitter. Criteria: ACMG Guidelines, 2015. Collection method: clinical testing. Allele origin: germline.
Comment: This missense variant replaces isoleucine with valine at codon 1359 of the FBN1 protein. Computational prediction suggests that this variant may not impact protein structure and function. To our knowledge, functional studies have not been reported for this variant. This variant has not been reported in individuals affected with FBN1-related disorders in the literature. This variant has been identified in 3/251428 chromosomes in the general population by the Genome Aggregation Database (gnomAD). The available evidence is insufficient to determine the role of this variant in disease conclusively. Therefore, this variant is classified as a Variant of Uncertain Significance.

Labcorp Genetics (formerly Invitae), Labcorp
Classification: Likely benign for Marfan syndrome; Familial thoracic aortic aneurysm and aortic dissection. Last evaluated: 2023-10-24. Review status: criteria provided, single submitter. Criteria: Invitae Variant Classification Sherloc (09022015). Collection method: clinical testing. Allele origin: germline.

Fulgent Genetics
Classification: Uncertain significance for Acromicric dysplasia; Ectopia lentis 1, isolated, autosomal dominant; Marfan syndrome; Stiff skin syndrome; MASS syndrome; Weill-Marchesani syndrome 2, dominant; Geleophysic dysplasia 2; Progeroid and marfanoid aspect-lipodystrophy syndrome. Last evaluated: 2021-12-03. Review status: criteria provided, single submitter. Criteria: ACMG Guidelines, 2015. Collection method: clinical testing. Allele origin: unknown.

GeneDx
Classification: Uncertain significance. Last evaluated: 2019-04-30. Review status: criteria provided, single submitter. Criteria: GeneDx Variant Classification Process June 2021. Collection method: clinical testing. Allele origin: germline. Affected: yes.
Comment: Has not been previously published as pathogenic or benign to our knowledge; Not observed at a significant frequency in large population cohorts (Lek et al., 2016); Although located in a calcium-binding EGF-like domain of the FBN1 gene, it does not affect a cysteine residue within this domain; cysteine substitutions in the calcium-binding EGF-like domains represent the majority of pathogenic missense changes associated with FBN1 related disorders (Collod-Beroud et al., 2003).; In silico analysis, which includes protein predictors and evolutionary conservation, supports that this variant does not alter protein structure/function; Reported in ClinVar as a variant of uncertain significance (ClinVar Variant ID# 519762; Landrum et al., 2016)